The following is an entry in ClinVar:

NM_022455.5(NSD1):c.5375G>A (p.Gly1792Glu)

Genes: NSD1 (nuclear receptor binding SET domain protein 1; plus strand), LOC126807619 (MED14-independent group 3 enhancer GRCh37_chr5:176696443-176697642; plus strand). Cytogenetic location: 5q35.3.
Variant type: single nucleotide variant.
Coding change: c.5375G>A on transcript NM_022455.5 (MANE Select); coding-DNA position 5375, G replaced by A.
Protein change: p.Gly1792Glu; replaces glycine 1792 with glutamic acid.
Molecular consequence: missense variant.
Genome position (GRCh38, 1-based): chr5:177,269,673, G>A. VCF-style: chr5-177269673-G-A. GRCh37 (hg19) VCF-style: chr5-176696674-G-A.
Other names: c.4502G>A, p.Gly1501Glu (NM_172349.5, NM_001365684.2, NM_001409308.1 and 1 more transcripts); c.5375G>A, p.Gly1792Glu (NM_001409301.1, NM_001409302.1, NM_001409303.1); c.4955G>A, p.Gly1652Glu (NM_001409304.1); c.4622G>A, p.Gly1541Glu (NM_001409305.1); c.4613G>A, p.Gly1538Glu (NM_001409306.1, NM_001409307.1); short protein forms G1792E, G1523E, G1501E, G1538E, G1541E, G1652E.
Identifiers: ClinVar variation 159364 (VCV000159364.8), dbSNP rs587784143, ClinGen allele CA294947.

ClinVar aggregate classification (germline): Pathogenic/Likely pathogenic. Review status: criteria provided, multiple submitters, no conflicts (2 of 4 stars). 2 submissions from 2 submitters: Pathogenic (1); Likely pathogenic (1). Last evaluated 2025-02-03.

Conditions:
Sotos syndrome (SOTOS). Also called: Distinctive facial appearance, overgrowth in childhood, and learning disabilities or delayed development; CEREBRAL GIGANTISM; Sotos' syndrome; CHROMOSOME 5q35 DELETION SYNDROME; SOTOS SYNDROME 1. Identifiers: Orphanet 821, MedGen C0175695, MONDO:0019349, OMIM 117550.

Submissions (2):

3billion
Classification: Likely pathogenic for Sotos syndrome. Last evaluated: 2025-02-03. Review status: criteria provided, single submitter. Criteria: ACMG Guidelines, 2015. Collection method: clinical testing. Allele origin: germline. Affected: yes.
Comment: The variant is not observed in the gnomAD v4.1.0 dataset. Predicted Consequence/Location: The variant is located in a mutational hot spot and/or well-established functional domain in which established pathogenic variants have been reported. In silico tool predictions suggest damaging effect of the variant on gene or gene product [REVEL: 0.81 (>=0.6, sensitivity 0.68 and specificity 0.92); 3Cnet: 0.96 (>=0.6, sensitivity 0.72 and precision 0.9)]. The same nucleotide change resulting in the same amino acid change has been previously reported to be associated with NSD1-related disorder (ClinVar ID: VCV000159364). Different missense changes at the same codon (p.Gly1792Arg, p.Gly1792Val) have been reported to be associated with NSD1-related disorder (ClinVar ID: VCV002584511 /PMID: 12464997). Therefore, this variant is classified as Likely pathogenic according to the recommendation of ACMG/AMP guideline.

Genetic Services Laboratory, University of Chicago
Classification: Pathogenic for Sotos syndrome 1. Last evaluated: 2013-02-08. Review status: criteria provided, single submitter. Criteria: ACMG Guidelines, 2007. Collection method: clinical testing. Allele origin: germline. Inheritance: Autosomal dominant inheritance. Affected: yes.

Literature cited by the submitters: PubMed 12464997 (cited by 3billion).